The following is an entry in ClinVar:

NM_024301.5(FKRP):c.305C>A (p.Ala102Glu)

Gene: FKRP (fukutin related protein; plus strand). Cytogenetic location: 19q13.32.
Variant type: single nucleotide variant.
Coding change: c.305C>A on transcript NM_024301.5 (MANE Select); coding-DNA position 305, C replaced by A.
Protein change: p.Ala102Glu; replaces alanine 102 with glutamic acid.
Molecular consequence: missense variant.
Genome position (GRCh38, 1-based): chr19:46,755,755, C>A. VCF-style: chr19-46755755-C-A. GRCh37 (hg19) VCF-style: chr19-47259012-C-A.
Other names: c.305C>A (NM_024301.4); c.305C>A, p.Ala102Glu (NM_001039885.3); short protein forms A102E.
Identifiers: ClinVar variation 1043670 (VCV001043670.10), dbSNP rs1473327480, ClinGen allele CA406495069.

ClinVar aggregate classification (germline): Uncertain significance. Review status: criteria provided, multiple submitters, no conflicts (2 of 4 stars). 3 submissions from 3 submitters: Uncertain significance (2). 1 of the submissions does not count toward it. Last evaluated 2024-08-03.

Conditions:
Cardiovascular phenotype. Identifiers: MedGen CN230736.
Walker-Warburg congenital muscular dystrophy. Also called: Muscular dystrophy-dystroglycanopathy, type A; Walker-Warburg syndrome. Identifiers: Orphanet 899, MedGen C0265221, MONDO:0000171.
Autosomal recessive limb-girdle muscular dystrophy type 2I. Also called: MUSCULAR DYSTROPHY-DYSTROGLYCANOPATHY (LIMB-GIRDLE), TYPE C, 5; MUSCULAR DYSTROPHY, LIMB-GIRDLE, TYPE 2I; MUSCULAR DYSTROPHY-DYSTROGLYCANOPATHY, LIMB-GIRDLE, FRKP-RELATED. Identifiers: Orphanet 34515, MedGen C1846672, MONDO:0011787, OMIM 607155.

Allele frequency attached by ClinVar (database versions not stated): gnomAD exomes below 0.00001.

Submissions (3):

Ambry Genetics
Classification: Uncertain significance for Cardiovascular phenotype. Last evaluated: 2024-08-03. Review status: criteria provided, single submitter. Criteria: Ambry Variant Classification Scheme 2023. Collection method: clinical testing. Allele origin: germline.
Comment: The p.A102E variant (also known as c.305C>A), located in coding exon 1 of the FKRP gene, results from a C to A substitution at nucleotide position 305. The alanine at codon 102 is replaced by glutamic acid, an amino acid with dissimilar properties. This amino acid position is well conserved in available vertebrate species. In addition, the in silico prediction for this alteration is inconclusive. Since supporting evidence is limited at this time, the clinical significance of this alteration remains unclear.

Labcorp Genetics (formerly Invitae), Labcorp
Classification: Uncertain significance for Walker-Warburg congenital muscular dystrophy. Last evaluated: 2022-08-16. Review status: criteria provided, single submitter. Criteria: Invitae Variant Classification Sherloc (09022015). Collection method: clinical testing. Allele origin: germline.
Comment: This sequence change replaces alanine, which is neutral and non-polar, with glutamic acid, which is acidic and polar, at codon 102 of the FKRP protein (p.Ala102Glu). The frequency data for this variant in the population databases is considered unreliable, as metrics indicate poor data quality at this position in the gnomAD database. This variant has not been reported in the literature in individuals affected with FKRP-related conditions. ClinVar contains an entry for this variant (Variation ID: 1043670). Algorithms developed to predict the effect of missense changes on protein structure and function (SIFT, PolyPhen-2, Align-GVGD) all suggest that this variant is likely to be tolerated. In summary, the available evidence is currently insufficient to determine the role of this variant in disease. Therefore, it has been classified as a Variant of Uncertain Significance.

Natera, Inc.
Classification: Uncertain significance for Limb-girdle muscular dystrophy type 2I. Last evaluated: 2020-12-09. Review status: no assertion criteria provided. Collection method: clinical testing. Allele origin: germline. Not counted in ClinVar's aggregate classification.